The following is an entry in ClinVar:

ClinVar aggregate classification (germline): Uncertain significance (0 of 4 stars; one submission).

Conditions:
KDM1A-related disorder. Also called: KDM1A-related condition.

Submission:

PreventionGenetics, part of Exact Sciences
Classification: Uncertain significance for KDM1A-related condition. Last evaluated: 2024-03-06. Review status: no assertion criteria provided. Collection method: clinical testing. Allele origin: germline.
Comment: The KDM1A c.1486delA variant is predicted to result in a frameshift and premature protein termination (p.Arg496Glufs*8). To our knowledge, this variant has not been reported in the literature or in a large population database, indicating this variant is rare. Loss of function is not a conclusively established mechanism for KDM1A-related disease, and only a few protein truncating and splice variants have been reported to date (Human Gene Mutation Database). At this time, the clinical significance of this variant is uncertain due to the absence of conclusive functional and genetic evidence.

NM_001009999.3(KDM1A):c.1486del (p.Arg496fs)

Gene: KDM1A (lysine demethylase 1A; plus strand). Cytogenetic location: 1p36.12.
Variant type: Deletion.
Coding change: c.1486del on transcript NM_001009999.3 (MANE Select); coding-DNA position 1486, one base deleted (A; older notation c.1486delA).
Protein change: p.Arg496fs; shifts the reading frame from arginine 496.
Molecular consequence: frameshift variant.
Genome position (GRCh38, 1-based): chr1:23,071,297, A deleted. VCF-style (leftmost placement, unchanged base first): chr1-23071296-CA-C. GRCh37 (hg19) VCF-style: chr1-23397789-CA-C.
Other names: c.1414del, p.Arg472fs (NM_001363654.2, NM_001410763.1, NM_015013.4); c.1474del, p.Arg492fs (NM_001410762.1); short protein forms R472fs, R492fs, R496fs.
Identifiers: ClinVar variation 3061086 (VCV003061086.2), dbSNP rs2522791134, ClinGen allele CA2740090615.